The following is an entry in ClinVar:

ClinVar aggregate classification (germline): Pathogenic (1 of 4 stars; one submission).

Conditions:
Spastic paraplegia. Identifiers: MedGen C0037772, HP:0001258.

Submission:

Labcorp Genetics (formerly Invitae), Labcorp
Classification: Pathogenic for Spastic paraplegia. Last evaluated: 2016-10-01. Review status: criteria provided, single submitter. Criteria: Invitae Variant Classification Sherloc (09022015). Collection method: clinical testing. Allele origin: germline.
Comment: This variant is a gross deletion of the genomic region encompassing exons 19-25 of the L1CAM gene. This leads to an in-frame deletion, preserving the integrity of the reading frame. While this particular variant has not been reported in the literature, loss-of-function variants in L1CAM are known to be pathogenic (PMID: 23820807). This finding is consistent with X-linked recessive inheritance, and suggests that this variant contributes to disease. For these reasons, this variant has been classified as Pathogenic.

NC_000023.10:g.(?_153129338)_(153131274_?)del

Gene: L1CAM (L1 cell adhesion molecule; minus strand). Cytogenetic location: Xq28.
Variant type: Deletion.
Identifiers: ClinVar variation 417318 (VCV000417318.1).